The following is an entry in ClinVar:

NM_177438.3(DICER1):c.4718G>A (p.Ser1573Asn)

Gene: DICER1 (dicer 1, ribonuclease III; minus strand). Cytogenetic location: 14q32.13.
Variant type: single nucleotide variant.
Coding change: c.4718G>A on transcript NM_177438.3 (MANE Select); coding-DNA position 4718, G replaced by A.
Protein change: p.Ser1573Asn; replaces serine 1573 with asparagine.
Molecular consequence: missense variant. On other transcripts: non-coding transcript variant (6).
Genome position (GRCh38, 1-based): chr14:95,096,202, C>T on the plus strand (G>A on the coding strand, the complement: DICER1 is on the minus strand). VCF-style: chr14-95096202-C-T. GRCh37 (hg19) VCF-style: chr14-95562539-C-T.
Other names: c.4718G>A, p.Ser1573Asn (NM_001195573.1, NM_001271282.3, NM_001291628.2 and 13 more transcripts); c.4436G>A, p.Ser1479Asn (NM_001395686.1); c.4313G>A, p.Ser1438Asn (NM_001395687.1, NM_001395688.1, NM_001395689.1 and 2 more transcripts); c.4151G>A, p.Ser1384Asn (NM_001395691.1); c.3035G>A, p.Ser1012Asn (NM_001395697.1); short protein forms S1012N, S1479N, S1573N, S1438N, S1384N.
Identifiers: ClinVar variation 1742625 (VCV001742625.2), dbSNP rs1555367674, ClinGen allele CA390867454.

ClinVar aggregate classification (germline): Uncertain significance (1 of 4 stars; one submission).

Conditions:
Hereditary cancer-predisposing syndrome. Also called: Hereditary Cancer Syndrome; Hereditary neoplastic syndrome; Neoplastic Syndromes, Hereditary; Tumor predisposition. Identifiers: Orphanet 140162, MedGen C0027672, MeSH D009386, MONDO:0015356.

Submission:

Ambry Genetics
Classification: Uncertain significance for Hereditary cancer-predisposing syndrome. Last evaluated: 2022-01-17. Review status: criteria provided, single submitter. Criteria: Ambry Variant Classification Scheme 2023. Collection method: clinical testing. Allele origin: germline.
Comment: The p.S1573N variant (also known as c.4718G>A), located in coding exon 22 of the DICER1 gene, results from a G to A substitution at nucleotide position 4718. The serine at codon 1573 is replaced by asparagine, an amino acid with highly similar properties. This amino acid position is conserved. In addition, the in silico prediction for this alteration is inconclusive. Since supporting evidence is limited at this time, the clinical significance of this alteration remains unclear.